The following is an entry in ClinVar:

NM_000433.4(NCF2):c.1520C>G (p.Pro507Arg)

Gene: NCF2 (neutrophil cytosolic factor 2; minus strand). Cytogenetic location: 1q25.3.
Variant type: single nucleotide variant.
Coding change: c.1520C>G on transcript NM_000433.4 (MANE Select); coding-DNA position 1520, C replaced by G.
Protein change: p.Pro507Arg; replaces proline 507 with arginine.
Molecular consequence: missense variant.
Genome position (GRCh38, 1-based): chr1:183,556,179, G>C on the plus strand (C>G on the coding strand, the complement: NCF2 is on the minus strand). VCF-style: chr1-183556179-G-C. GRCh37 (hg19) VCF-style: chr1-183525314-G-C.
Other names: c.1520C>G, p.Pro507Arg (NM_001127651.3); c.1277C>G, p.Pro426Arg (NM_001190789.2); c.1385C>G, p.Pro462Arg (NM_001190794.2); c.1412C>G, p.Pro471Arg (NM_001410895.1); short protein forms P426R, P471R, P462R, P507R.
Identifiers: ClinVar variation 2088293 (VCV002088293.4), dbSNP rs1671768686, ClinGen allele CA343703361.

ClinVar aggregate classification (germline): Uncertain significance (1 of 4 stars; one submission).

Conditions:
Granulomatous disease, chronic, autosomal recessive, cytochrome b-positive, type 2. Also called: Chronic Granulomatous Disease, Autosomal Recessive, Cytochrome b-Positive, Type II; GRANULOMATOUS DISEASE, CHRONIC, AUTOSOMAL RECESSIVE, 2; Chronic granulomatous disease due to deficiency of NCF-2; CGD, AUTOSOMAL RECESSIVE CYTOCHROME b-POSITIVE, TYPE II; GRANULOMATOUS DISEASE, CHRONIC, DUE TO NCF2 DEFICIENCY. Identifiers: Orphanet 379, MedGen C1856245, MONDO:0009310, OMIM 233710.

Allele frequency attached by ClinVar (database versions not stated): TOPMed below 0.00001.

Submission:

Labcorp Genetics (formerly Invitae), Labcorp
Classification: Uncertain significance for Granulomatous disease, chronic, autosomal recessive, cytochrome b-positive, type 2. Last evaluated: 2025-11-03. Review status: criteria provided, single submitter. Criteria: Invitae Variant Classification Sherloc (09022015). Collection method: clinical testing. Allele origin: germline.
Comment: This sequence change replaces proline, which is neutral and non-polar, with arginine, which is basic and polar, at codon 507 of the NCF2 protein (p.Pro507Arg). This variant is not present in population databases (gnomAD no frequency). This variant has not been reported in the literature in individuals affected with NCF2-related conditions. ClinVar contains an entry for this variant (Variation ID: 2088293). An algorithm developed to predict the effect of missense changes on protein structure and function (PolyPhen-2) suggests that this variant is likely to be disruptive. In summary, the available evidence is currently insufficient to determine the role of this variant in disease. Therefore, it has been classified as a Variant of Uncertain Significance.